The following is an entry in ClinVar:

ClinVar aggregate classification (germline): Uncertain significance (1 of 4 stars; one submission).

Allele frequency attached by ClinVar (database versions not stated): gnomAD exomes 0.00001; TOPMed 0.00001; gnomAD 0.00003.
gnomAD v4.1: 18 of 1,613,812 alleles (0.0011%); highest among the groups gnomAD compares: Non-Finnish European, 0.0014%; no homozygotes.

Submission:

Labcorp Genetics (formerly Invitae), Labcorp
Classification: Uncertain significance. Last evaluated: 2023-02-14. Review status: criteria provided, single submitter. Criteria: Invitae Variant Classification Sherloc (09022015). Collection method: clinical testing. Allele origin: germline.
Comment: In summary, the available evidence is currently insufficient to determine the role of this variant in disease. Therefore, it has been classified as a Variant of Uncertain Significance. Advanced modeling of protein sequence and biophysical properties (such as structural, functional, and spatial information, amino acid conservation, physicochemical variation, residue mobility, and thermodynamic stability) performed at Invitae indicates that this missense variant is not expected to disrupt IGF1R protein function. This variant has not been reported in the literature in individuals affected with IGF1R-related conditions. This variant is present in population databases (rs767949946, gnomAD 0.004%). This sequence change replaces serine, which is neutral and polar, with arginine, which is basic and polar, at codon 1110 of the IGF1R protein (p.Ser1110Arg).

NM_000875.5(IGF1R):c.3330C>G (p.Ser1110Arg)

Gene: IGF1R (insulin like growth factor 1 receptor; plus strand). Cytogenetic location: 15q26.3.
Variant type: single nucleotide variant.
Coding change: c.3330C>G on transcript NM_000875.5 (MANE Select); coding-DNA position 3330, C replaced by G.
Protein change: p.Ser1110Arg; replaces serine 1110 with arginine.
Molecular consequence: missense variant.
Genome position (GRCh38, 1-based): chr15:98,939,233, C>G. VCF-style: chr15-98939233-C-G. GRCh37 (hg19) VCF-style: chr15-99482462-C-G.
Other names: c.3327C>G, p.Ser1109Arg (NM_001291858.2); short protein forms S1109R, S1110R.
Identifiers: ClinVar variation 2958320 (VCV002958320.3), dbSNP rs767949946, ClinGen allele CA275327109.